The following is an entry in ClinVar:

NM_004281.4(BAG3):c.180+269C>G

Gene: BAG3 (BAG cochaperone 3; plus strand). Cytogenetic location: 10q26.11.
Variant type: single nucleotide variant.
Coding change: c.180+269C>G on transcript NM_004281.4 (MANE Select); 269 bases into the intron after coding-DNA position 180, C replaced by G.
Molecular consequence: intron variant.
Genome position (GRCh38, 1-based): chr10:119,652,124, C>G. VCF-style: chr10-119652124-C-G. GRCh37 (hg19) VCF-style: chr10-121411636-C-G.
Other names: NC_000010.10:g.121411636C>G.
Identifiers: ClinVar variation 683251 (VCV000683251.2), dbSNP rs2577336, ClinGen allele CA13171209.

ClinVar aggregate classification (germline): Benign (1 of 4 stars; one submission).

Allele frequency attached by ClinVar (database versions not stated): gnomAD 0.34635; 1000 Genomes Project 0.30312; 1000 Genomes Project 30x 0.30387; TOPMed 0.34297.
gnomAD v4.1: 52,513 of 152,032 alleles (35%); highest among the groups gnomAD compares: Middle Eastern, 42%; 9,529 homozygotes.

Submissions (7):

GeneDx
Classification: Benign. Last evaluated: 2018-06-18. Review status: criteria provided, single submitter. Criteria: GeneDx Variant Classification (06012015). Collection method: clinical testing. Allele origin: germline. Affected: yes.
Comment: This variant is considered likely benign or benign based on one or more of the following criteria: it is a conservative change, it occurs at a poorly conserved position in the protein, it is predicted to be benign by multiple in silico algorithms, and/or has population frequency not consistent with disease.

Dr. Peter K. Rogan Lab, Western University
No classification provided (evidence only). Condition: Thymoma. Review status: no classification provided. Collection method: in vitro. Allele origin: not applicable. Functional consequence: retained intron. Not counted in ClinVar's aggregate classification.

Dr. Peter K. Rogan Lab, Western University
No classification provided (evidence only). Condition: Ovarian serous cystadenocarcinoma. Review status: no classification provided. Collection method: in vitro. Allele origin: not applicable. Functional consequence: retained intron. Not counted in ClinVar's aggregate classification.

Dr. Peter K. Rogan Lab, Western University
No classification provided (evidence only). Condition: Ovarian serous cystadenocarcinoma. Review status: no classification provided. Collection method: in vitro. Allele origin: not applicable. Functional consequence: retained intron. Not counted in ClinVar's aggregate classification.

Dr. Peter K. Rogan Lab, Western University
No classification provided (evidence only). Condition: Ovarian serous cystadenocarcinoma. Review status: no classification provided. Collection method: in vitro. Allele origin: not applicable. Functional consequence: retained intron. Not counted in ClinVar's aggregate classification.

Dr. Peter K. Rogan Lab, Western University
No classification provided (evidence only). Condition: Ovarian serous cystadenocarcinoma. Review status: no classification provided. Collection method: in vitro. Allele origin: not applicable. Functional consequence: retained intron. Not counted in ClinVar's aggregate classification.

Dr. Peter K. Rogan Lab, Western University
No classification provided (evidence only). Condition: Ovarian serous cystadenocarcinoma. Review status: no classification provided. Collection method: in vitro. Allele origin: not applicable. Functional consequence: retained intron. Not counted in ClinVar's aggregate classification.